The following is an entry in ClinVar:

NM_031308.4(EPPK1):c.5519C>T (p.Thr1840Met)

Gene: EPPK1 (epiplakin 1; minus strand). Cytogenetic location: 8q24.3.
Variant type: single nucleotide variant.
Coding change: c.5519C>T on transcript NM_031308.4 (MANE Select); coding-DNA position 5519, C replaced by T.
Protein change: p.Thr1840Met; replaces threonine 1840 with methionine.
Molecular consequence: missense variant.
Genome position (GRCh38, 1-based): chr8:143,867,735, G>A on the plus strand (C>T on the coding strand, the complement: EPPK1 is on the minus strand). VCF-style: chr8-143867735-G-A. GRCh37 (hg19) VCF-style: chr8-144941903-G-A.
Other names: short protein forms T1840M.
Identifiers: ClinVar variation 3035242 (VCV003035242.12), dbSNP rs79961029, ClinGen allele CA4922113.
Genomic context (GRCh38, chr8:143,867,735, plus strand): 5'-AACAGGTCTGCAGCTGTCACCTCCCCTCTGATGGCCGCCACTTTGATGCCTTGGTTTTGC[G>A]TCTCTGTTTCTTCAATTGTCGTGGTGATGATTTCCAGCAATTTCTCCAGGCCCCCACTCT-3'
Protein context (NP_112598.3, residues 1830-1850): IITTTIEETE[Thr1840Met]QNQGIKVAAI

ClinVar aggregate classification (germline): Benign. Review status: criteria provided, single submitter (1 of 4 stars). 2 submissions from 2 submitters: Benign (1). 1 of the submissions does not count toward it. Last evaluated 2025-04-01.

Conditions:
EPPK1-related disorder. Also called: EPPK1-related condition.

Allele frequency attached by ClinVar (database versions not stated): gnomAD exomes 0.00117; ExAC 0.00302; 1000 Genomes Project 0.00839; ESP Exome Variant Server 0.00871; gnomAD 0.00878; TOPMed 0.00966; 1000 Genomes Project 30x 0.00968.
gnomAD v4.1: 3,091 of 1,613,702 alleles (0.19%); highest among the groups gnomAD compares: African/African-American, 3%; 35 homozygotes.

Submissions (2):

CeGaT Center for Human Genetics Tuebingen
Classification: Benign. Last evaluated: 2025-04-01. Review status: criteria provided, single submitter. Criteria: CeGaT Center For Human Genetics Tuebingen Variant Classification Criteria Version 2. Collection method: clinical testing. Allele origin: germline. Affected: yes. Observed: 1 variant allele.
Comment: EPPK1: BP4, BS1, BS2

PreventionGenetics, part of Exact Sciences
Classification: Benign for EPPK1-related condition. Last evaluated: 2021-04-14. Review status: no assertion criteria provided. Collection method: clinical testing. Allele origin: germline. Not counted in ClinVar's aggregate classification.
Comment: This variant is classified as benign based on ACMG/AMP sequence variant interpretation guidelines (Richards et al. 2015 PMID: 25741868, with internal and published modifications).